The following is an entry in ClinVar:

ClinVar aggregate classification (germline): Pathogenic (1 of 4 stars; one submission).

Submission:

Labcorp Genetics (formerly Invitae), Labcorp
Classification: Pathogenic. Last evaluated: 2025-07-23. Review status: criteria provided, single submitter. Criteria: Invitae Variant Classification Sherloc (09022015). Collection method: clinical testing. Allele origin: germline.
Comment: This sequence change creates a premature translational stop signal (p.Tyr2008Serfs*4) in the POLE gene. It is expected to result in an absent or disrupted protein product. Loss-of-function variants in POLE are known to be pathogenic (PMID: 23230001, 25948378, 30503519). This variant is not present in population databases (gnomAD no frequency). This variant has not been reported in the literature in individuals affected with POLE-related conditions. ClinVar contains an entry for this variant (Variation ID: 658609). For these reasons, this variant has been classified as Pathogenic.

Literature cited by the submitters: PubMed 23230001; PubMed 25948378; PubMed 30503519.

NM_006231.4(POLE):c.6023del (p.Tyr2008fs)

Gene: POLE (DNA polymerase epsilon, catalytic subunit; minus strand). Cytogenetic location: 12q24.33.
Variant type: Deletion.
Coding change: c.6023del on transcript NM_006231.4 (MANE Select); coding-DNA position 6023, one base deleted (A; older notation c.6023delA).
Protein change: p.Tyr2008fs; shifts the reading frame from tyrosine 2008.
Molecular consequence: frameshift variant.
Genome position (GRCh38, 1-based): chr12:132,632,777, T deleted on the plus strand (A on the coding strand, the reverse complement: POLE is on the minus strand). VCF-style (leftmost placement, unchanged base first): chr12-132632776-GT-G. GRCh37 (hg19) VCF-style: chr12-133209362-GT-G.
Other names: c.6023delA (NM_006231.3); short protein forms Y2008fs.
Identifiers: ClinVar variation 658609 (VCV000658609.10), dbSNP rs1593709229, ClinGen allele CA915946796.